The following is an entry in ClinVar:

NM_000019.4(ACAT1):c.607A>C (p.Lys203Gln)

Gene: ACAT1 (acetyl-CoA acetyltransferase 1; plus strand). Cytogenetic location: 11q22.3.
Variant type: single nucleotide variant.
Coding change: c.607A>C on transcript NM_000019.4 (MANE Select); coding-DNA position 607, A replaced by C.
Protein change: p.Lys203Gln; replaces lysine 203 with glutamine.
Molecular consequence: missense variant. On other transcripts: non-coding transcript variant (2).
Genome position (GRCh38, 1-based): chr11:108,140,092, A>C. VCF-style: chr11-108140092-A-C. GRCh37 (hg19) VCF-style: chr11-108010819-A-C.
Other names: c.607A>C, p.Lys203Gln (NM_001386677.1); c.292A>C, p.Lys98Gln (NM_001386678.1); c.310A>C, p.Lys104Gln (NM_001386679.1); c.337A>C, p.Lys113Gln (NM_001386681.1, NM_001386682.1, NM_001386685.1 and 6 more transcripts); short protein forms K104Q, K113Q, K203Q, K98Q.
Identifiers: ClinVar variation 1643948 (VCV001643948.36), dbSNP rs200498630, ClinGen allele CA6263169.

ClinVar aggregate classification (germline): Conflicting classifications of pathogenicity. Review status: criteria provided, conflicting classifications (1 of 4 stars). 2 submissions from 2 submitters: Uncertain significance (1); Likely benign (1). Last evaluated 2023-12-12.

Conditions:
Deficiency of acetyl-CoA acetyltransferase. Also called: 3-KETOTHIOLASE DEFICIENCY; 3-OXOTHIOLASE DEFICIENCY; MITOCHONDRIAL ACETOACETYL-CoA THIOLASE DEFICIENCY; Beta-ketothiolase deficiency. Identifiers: Orphanet 134, MedGen C1536500, MONDO:0008760, OMIM 203750. Disease mechanism: loss of function.

Allele frequency attached by ClinVar (database versions not stated): ExAC 0.00003; gnomAD exomes 0.00003 and 0.00004; gnomAD 0.00005; TOPMed 0.00005.
gnomAD v4.1: 50 of 1,614,018 alleles (0.0031%); highest among the groups gnomAD compares: Non-Finnish European, 0.0014%; no homozygotes.

Submissions (2):

Labcorp Genetics (formerly Invitae), Labcorp
Classification: Likely benign for Deficiency of acetyl-CoA acetyltransferase. Last evaluated: 2023-12-12. Review status: criteria provided, single submitter. Criteria: Invitae Variant Classification Sherloc (09022015). Collection method: clinical testing. Allele origin: germline.

CeGaT Center for Human Genetics Tuebingen
Classification: Uncertain significance. Last evaluated: 2023-01-01. Review status: criteria provided, single submitter. Criteria: CeGaT Center For Human Genetics Tuebingen Variant Classification Criteria Version 2. Collection method: clinical testing. Allele origin: germline. Affected: yes. Observed: 1 variant allele.
Comment: ACAT1: PM2